The following is an entry in ClinVar:

ClinVar aggregate classification (germline): not provided (0 of 4 stars; one submission).

Conditions:
Normal pregnancy. Identifiers: MedGen C0232989.

Submission:

Institute of Molecular and Cell Biology, University of Tartu
No classification provided. Condition: Normal pregnancy. Review status: no classification provided. Collection method: case-control. Allele origin: unknown. Affected: yes. Study: Kasak2014.
Comment: The study aimed to determine the contribution of copy number variants in the genetic etiology of normal and complicated pregnancies. The samples represented (i) maternal blood DNA drawn from healthy pregnant women during 1st or 2nd trimester and (ii) maternal and paternal blood DNA drawn at term pregnancy cases representing normal and complicated gestations (severe preeclampsia, PE; gestational diabetes, GD; small-for-gestational age newborn, SGA; large-for-gestational age newborn, LGA). We performed CNV calling based on genome-wide genotyping dataset (Illumina HumanOmniExpress-24-v1 BeadChip) by applying three algorithms, QuantiSNP, GADA (Genome Alteration Detection Algorithm) and CNstream in parallel. The acquired CNV calls were merged with HD-CNV (Hotspot Detector for Copy Number Variants) program and only the CNVs predicted by at least two programs, were considered in subsequent analysis.

Literature cited by the submitters: PubMed 25666259.

NC_000009.12:g.46587_274108dup

Genes: DOCK8 (dedicator of cytokinesis 8; plus strand), DOCK8-AS1 (DOCK8 antisense RNA 1; minus strand), FOXD4 (forkhead box D4; minus strand), LINC01388 (long intergenic non-protein coding RNA 1388; minus strand), PGM5P3-AS1 (PGM5P3 antisense RNA 1; plus strand) and 10 more. Cytogenetic location: 9p24.3.
Variant type: Duplication.
Identifiers: ClinVar variation 157129 (VCV000157129.2).